The following is an entry in ClinVar:

ClinVar aggregate classification (germline): Conflicting classifications of pathogenicity. Review status: criteria provided, conflicting classifications (1 of 4 stars). 7 submissions from 7 submitters: Likely pathogenic (2); Uncertain significance (4); Likely benign (1). Last evaluated 2025-09-29.

Conditions:
Myopathy, myofibrillar, 12, infantile-onset, with cardiomyopathy. Identifiers: MedGen C5561937, MONDO:0859168, OMIM 619424.
Hypertrophic cardiomyopathy 10. Also called: MYL2-Related Familial Hypertrophic Cardiomyopathy; CARDIOMYOPATHY, HYPERTROPHIC, MID-LEFT VENTRICULAR CHAMBER TYPE, 2. Identifiers: MedGen C1834460, MONDO:0012112, OMIM 608758.

Submissions (7):

Labcorp Genetics (formerly Invitae), Labcorp
Classification: Uncertain significance for Hypertrophic cardiomyopathy 10. Last evaluated: 2025-09-29. Review status: criteria provided, single submitter. Criteria: Invitae Variant Classification Sherloc (09022015). Collection method: clinical testing. Allele origin: germline.
Comment: This sequence change creates a premature translational stop signal (p.Phe18Argfs*9) in the MYL2 gene. It is expected to result in an absent or disrupted protein product. However, the current clinical and genetic evidence is not sufficient to establish whether loss-of-function variants in MYL2 cause disease. This variant is present in population databases (rs754744244, gnomAD 0.02%). This variant has not been reported in the literature in individuals affected with MYL2-related conditions. ClinVar contains an entry for this variant (Variation ID: 944169). Experimental studies and prediction algorithms are not available or were not evaluated, and the functional significance of this variant is currently unknown. In summary, the available evidence is currently insufficient to determine the role of this variant in disease. Therefore, it has been classified as a Variant of Uncertain Significance.

CeGaT Center for Human Genetics Tuebingen
Classification: Uncertain significance. Last evaluated: 2025-09-01. Review status: criteria provided, single submitter. Criteria: CeGaT Center For Human Genetics Tuebingen Variant Classification Criteria Version 2. Collection method: clinical testing. Allele origin: germline. Affected: yes. Observed: 2 variant alleles.
Comment: MYL2: PM2, PM3

GeneDx
Classification: Uncertain significance. Last evaluated: 2024-05-31. Review status: criteria provided, single submitter. Criteria: GeneDx Variant Classification Process June 2021. Collection method: clinical testing. Allele origin: germline. Affected: yes.
Comment: Has not been previously published as pathogenic or benign to our knowledge; Frameshift variant predicted to result in protein truncation or nonsense mediated decay in a gene or region of a gene for which loss of function is not a well-established mechanism of disease

Blueprint Genetics
Classification: Likely benign. Last evaluated: 2023-05-08. Review status: criteria provided, single submitter. Criteria: ACMG Guidelines, 2015. Collection method: clinical testing. Allele origin: germline.

Revvity Omics, Revvity
Classification: Likely pathogenic. Last evaluated: 2019-08-01. Review status: criteria provided, single submitter. Criteria: ACMG Guidelines, 2015. Collection method: clinical testing. Allele origin: germline.

Institute for Medical Genetics and Human Genetics, Charité - Universitätsmedizin Berlin
Classification: Uncertain significance. Review status: criteria provided, single submitter. Criteria: ACMG Guidelines, 2015. Collection method: not provided. Allele origin: germline. Inheritance: Autosomal recessive inheritance. Affected: yes.

Neuberg Centre For Genomic Medicine, NCGM
Classification: Likely pathogenic for Myopathy, myofibrillar, 12, infantile-onset, with cardiomyopathy. Review status: criteria provided, single submitter. Criteria: ACMG Guidelines, 2015. Collection method: clinical testing. Allele origin: germline. Inheritance: Autosomal recessive inheritance. Affected: yes.
Comment: The observed frameshift variant c.51_61del(p.Phe18ArgfsTer9) in MYL2 gene has not been reported previously as a pathogenic variant nor as a benign variant, to our knowledge. This variant is reported with the allele frequency of 0.002% in the gnomAD Exomes. This variant has been reported to the ClinVar database as Likely Pathogenic/Uncertain Significance. This variant causes a frameshift starting with codon Phenylalanine 18, changes this amino acid to Arginine residue, and creates a premature Stop codon at position 9 of the new reading frame, denoted p.Phe18ArgfsTer9. This variant is predicted to cause a loss of normal protein function through protein truncation. Loss of function variants have been previously reported to be disease causing(Manivannan SN et.al., 2020). For these reasons, this variant has been classified as Likely Pathogenic.

NM_000432.4(MYL2):c.51_61del (p.Phe18fs)

Genes: MYL2 (myosin light chain 2; minus strand), LOC114827850 (VISTA enhancer hs2149; plus strand). Cytogenetic location: 12q24.11.
Variant type: Deletion.
Coding change: c.51_61del on transcript NM_000432.4 (MANE Select); coding-DNA positions 51 to 61, 11 bases deleted (GTTCTCCATGT).
Protein change: p.Phe18fs; shifts the reading frame from phenylalanine 18.
Molecular consequence: frameshift variant.
Genome position (GRCh38, 1-based): chr12:110,919,136-110,919,146, ACATGGAGAAC deleted on the plus strand (GTTCTCCATGT on the coding strand, the reverse complement: MYL2 is on the minus strand); deleting any 11 consecutive bases within chr12:110,919,136-110,919,148 gives the same sequence; the c. name uses the placement nearest the transcript's 3' end. VCF-style (leftmost placement, unchanged base first): chr12-110919135-AACATGGAGAAC-A. GRCh37 (hg19) VCF-style: chr12-111356939-AACATGGAGAAC-A.
Other names: short protein forms F18fs.
Identifiers: ClinVar variation 944169 (VCV000944169.21), dbSNP rs754744244, ClinGen allele CA043451.